The following is an entry in ClinVar:

ClinVar aggregate classification (germline): Uncertain significance (1 of 4 stars; one submission).

Conditions:
Peutz-Jeghers syndrome (PJS). Also called: POLYPOSIS, HAMARTOMATOUS INTESTINAL; POLYPS-AND-SPOTS SYNDROME; Peutz-Jeghers polyposis; Periorificial lentiginosis syndrome. Identifiers: Orphanet 2869, MedGen C0031269, MeSH D010580, MONDO:0008280, OMIM 175200.

Submission:

All of Us Research Program, National Institutes of Health
Classification: Uncertain significance for Peutz-Jeghers syndrome. Last evaluated: 2023-04-03. Review status: criteria provided, single submitter. Criteria: ACMG Guidelines, 2015. Collection method: clinical testing. Allele origin: germline. Inheritance: Autosomal dominant inheritance. Observed: 1 variant allele, 1 heterozygote.
Comment: This variant is located in the 3' untranslated region of the STK11 protein. To our knowledge, functional studies have not been reported for this variant. This variant has not been reported in individuals affected with STK11-related disorders in the literature. This variant has not been identified in the general population by the Genome Aggregation Database (gnomAD). The available evidence is insufficient to determine the role of this variant in disease conclusively. Therefore, this variant is classified as a Variant of Uncertain Significance.

This study involves interpretation of variants in research participants for the purpose of population health screening. Participant phenotype was not available at the time of variant classification. Additional details can be found in publication PMID: 35346344, PMCID: PMC8962531

NM_000455.5(STK11):c.*1G>C

Gene: STK11 (serine/threonine kinase 11; plus strand). Cytogenetic location: 19p13.3.
Variant type: single nucleotide variant.
Coding change: c.*1G>C on transcript NM_000455.5 (MANE Select); 1 bases downstream of the stop codon, G replaced by C.
Molecular consequence: 3 prime UTR variant. On other transcripts: non-coding transcript variant (1).
Genome position (GRCh38, 1-based): chr19:1,226,648, G>C. VCF-style: chr19-1226648-G-C. GRCh37 (hg19) VCF-style: chr19-1226647-G-C.
Identifiers: ClinVar variation 3070128 (VCV003070128.1), dbSNP rs786201397, ClinGen allele CA2825002724.
Genomic context (GRCh38, chr19:1,226,648, plus strand): 5'-CGCAAGGCCTGCTCCGCCAGCAGCAAGATCCGCCGGCTGTCGGCCTGCAAGCAGCAGTGA[G>C]GCTGGCCGCCTGCAGGTGGGGCGCGGCGGGGCCCGGGTGGGGCATGTGGGGACAACGCCT-3'